The following is an entry in ClinVar:

NM_021930.6(RINT1):c.1132A>G (p.Met378Val)

Gene: RINT1 (RAD50 interactor 1; plus strand). Cytogenetic location: 7q22.3.
Variant type: single nucleotide variant.
Coding change: c.1132A>G on transcript NM_021930.6 (MANE Select); coding-DNA position 1132, A replaced by G.
Protein change: p.Met378Val; replaces methionine 378 with valine.
Molecular consequence: missense variant. On other transcripts: non-coding transcript variant (1).
Genome position (GRCh38, 1-based): chr7:105,550,285, A>G. VCF-style: chr7-105550285-A-G. GRCh37 (hg19) VCF-style: chr7-105190732-A-G.
Other names: c.898A>G, p.Met300Val (NM_001346599.2); c.109A>G, p.Met37Val (NM_001346600.2, NM_001346603.2); c.208A>G, p.Met70Val (NM_001346601.2); short protein forms M70V, M300V, M378V, M37V.
Identifiers: ClinVar variation 2563345 (VCV002563345.2), dbSNP rs548249931, ClinGen allele CA368808822.
Genomic context (GRCh38, chr7:105,550,285, plus strand): 5'-TTTATTTACATACCTCATGTTTGTGTATTTTTTTAGCTTGAATTTTCTCGGGGCCTTATG[A>G]TGCTGGTTCTTGAGAAGTTAGCCACTGATATTCCTTGTCTGCTATATGATGACAATCTCT-3'
Protein context (NP_068749.3, residues 368-388): ARLEFSRGLM[Met378Val]LVLEKLATDI

ClinVar aggregate classification (germline): Uncertain significance (1 of 4 stars; one submission).

Allele frequency attached by ClinVar (database versions not stated): gnomAD exomes below 0.00001.
gnomAD v4.1: 1 of 1,614,048 alleles (0.000062%); highest among the groups gnomAD compares: South Asian, 0.0011%; no homozygotes.

Submission:

Ambry Genetics
Classification: Uncertain significance. Last evaluated: 2023-03-22. Review status: criteria provided, single submitter. Criteria: Ambry Variant Classification Scheme 2023. Collection method: clinical testing. Allele origin: germline.
Comment: The p.M378V variant (also known as c.1132A>G), located in coding exon 9 of the RINT1 gene, results from an A to G substitution at nucleotide position 1132. The methionine at codon 378 is replaced by valine, an amino acid with highly similar properties. This amino acid position is conserved. In addition, this alteration is predicted to be tolerated by in silico analysis. Since supporting evidence is limited at this time, the clinical significance of this alteration remains unclear.